The following is an entry in ClinVar:

ClinVar aggregate classification (germline): Uncertain significance. Review status: criteria provided, multiple submitters, no conflicts (2 of 4 stars). 3 submissions from 3 submitters: Uncertain significance (3). Last evaluated 2025-05-11.

Conditions:
Early-infantile DEE. Also called: Ohtahara syndrome; Early infantile epileptic encephalopathy; Early infantile epileptic encephalopathy with suppression bursts. Identifiers: Orphanet 1934, MedGen C0393706, MONDO:0800491.

Allele frequency attached by ClinVar (database versions not stated): gnomAD exomes 0.00001 and 0.00002; TOPMed 0.00001; ExAC 0.00002.

Submissions (3):

Mayo Clinic Laboratories, Mayo Clinic
Classification: Uncertain significance. Last evaluated: 2025-05-11. Review status: criteria provided, single submitter. Criteria: ACMG Guidelines, 2015. Collection method: clinical testing. Allele origin: germline. Observed: 1 variant allele.
Comment: BP4

Labcorp Genetics (formerly Invitae), Labcorp
Classification: Uncertain significance for Early-infantile DEE. Last evaluated: 2025-03-25. Review status: criteria provided, single submitter. Criteria: Invitae Variant Classification Sherloc (09022015). Collection method: clinical testing. Allele origin: germline.
Comment: This sequence change replaces arginine, which is basic and polar, with histidine, which is basic and polar, at codon 129 of the SPTAN1 protein (p.Arg129His). This variant is present in population databases (rs774397953, gnomAD 0.002%). This missense change has been observed in individual(s) with clinical features of SPTAN1-related conditions (internal data). ClinVar contains an entry for this variant (Variation ID: 1402109). Invitae Evidence Modeling of protein sequence and biophysical properties (such as structural, functional, and spatial information, amino acid conservation, physicochemical variation, residue mobility, and thermodynamic stability) has been performed for this missense variant. However, the output from this modeling did not meet the statistical confidence thresholds required to predict the impact of this variant on SPTAN1 protein function. In summary, the available evidence is currently insufficient to determine the role of this variant in disease. Therefore, it has been classified as a Variant of Uncertain Significance.

Blueprint Genetics
Classification: Uncertain significance. Last evaluated: 2020-02-18. Review status: criteria provided, single submitter. Criteria: ACMG Guidelines, 2015. Collection method: clinical testing. Allele origin: germline.

NM_001130438.3(SPTAN1):c.386G>A (p.Arg129His)

Gene: SPTAN1 (spectrin alpha, non-erythrocytic 1; plus strand). Cytogenetic location: 9q34.11.
Variant type: single nucleotide variant.
Coding change: c.386G>A on transcript NM_001130438.3 (MANE Select); coding-DNA position 386, G replaced by A.
Protein change: p.Arg129His; replaces arginine 129 with histidine.
Molecular consequence: missense variant.
Genome position (GRCh38, 1-based): chr9:128,574,697, G>A. VCF-style: chr9-128574697-G-A. GRCh37 (hg19) VCF-style: chr9-131336976-G-A.
Other names: p.Arg129His; c.386G>A, p.Arg129His (NM_001195532.2, NM_001363759.2, NM_001363765.2 and 5 more transcripts); c.422G>A, p.Arg141His (NM_001375312.2, NM_001375318.1); short protein forms R129H, R141H.
Identifiers: ClinVar variation 1402109 (VCV001402109.11), dbSNP rs774397953, ClinGen allele CA5264166.